The following is an entry in ClinVar:

NM_000551.4(VHL):c.144G>A (p.Leu48=)

Gene: VHL (von Hippel-Lindau tumor suppressor; plus strand). Cytogenetic location: 3p25.3.
Variant type: single nucleotide variant.
Coding change: c.144G>A on transcript NM_000551.4 (MANE Select); coding-DNA position 144, G replaced by A.
Protein change: p.Leu48=; no amino-acid change (leucine 48 retained).
Molecular consequence: synonymous variant. On other transcripts: non-coding transcript variant (1).
Genome position (GRCh38, 1-based): chr3:10,141,991, G>A. VCF-style: chr3-10141991-G-A. GRCh37 (hg19) VCF-style: chr3-10183675-G-A.
Other names: c.144G>A, p.Leu48= (NM_001354723.2, NM_198156.3).
Identifiers: ClinVar variation 4071332 (VCV004071332.2).

ClinVar aggregate classification (germline): Benign/Likely benign. Review status: criteria provided, multiple submitters, no conflicts (2 of 4 stars). 2 submissions from 2 submitters: Benign (1); Likely benign (1). Last evaluated 2025-08-10.

Conditions:
Von Hippel-Lindau syndrome (VHLS). Also called: Von Hippel-Lindau; von Hippel–Lindau syndrome; VHL syndrome. Identifiers: Orphanet 892, MedGen C0019562, MONDO:0008667, OMIM 193300. Disease mechanism: loss of function.
Chuvash polycythemia. Also called: POLYCYTHEMIA, VHL-DEPENDENT. Identifiers: Orphanet 238557, MedGen C1837915, MONDO:0009892, OMIM 263400.

gnomAD v4.1: 1 of 1,574,240 alleles (0.000064%); highest among the groups gnomAD compares: South Asian, 0.0012%; no homozygotes.

Submissions (2):

Labcorp Genetics (formerly Invitae), Labcorp
Classification: Likely benign for Von Hippel-Lindau syndrome; Chuvash polycythemia. Last evaluated: 2025-08-10. Review status: criteria provided, single submitter. Criteria: Invitae Variant Classification Sherloc (09022015). Collection method: clinical testing. Allele origin: germline.

Myriad Genetics, Inc.
Classification: Benign for Von Hippel-Lindau syndrome. Last evaluated: 2025-06-10. Review status: criteria provided, single submitter. Criteria: Myriad Autosomal Dominant, Autosomal Recessive and X-Linked Classification Criteria (2023). Collection method: clinical testing. Allele origin: unknown.
Comment: This variant is considered benign. This variant is a silent/synonymous amino acid change and it is not expected to impact splicing.